The following is an entry in ClinVar:

ClinVar aggregate classification (germline): Pathogenic (1 of 4 stars; one submission).

Submission:

Quest Diagnostics Nichols Institute San Juan Capistrano
Classification: Pathogenic. Last evaluated: 2022-03-30. Review status: criteria provided, single submitter. Criteria: ACMG/ClinGen CNV Guidelines, 2019. Collection method: clinical testing. Allele origin: unknown.
Comment: The Xq26.2 deletion interval involves GPC3 gene (OMIM 300037). Haploinsufficiency of GPC3, via loss-of-function variation or deletion, can cause Simpson-Golabi-Behmel syndrome type 1 (SGBS1; OMIM 312870) in males, characterized by pre- and postnatal overgrowth, coarse facies, congenital heart defects, and other congenital abnormalities (Vuillaume et al., Hum Mutat. 2018 Jun;39(6):790-805. PMID: 29637653; Chong et al., Case Reports Prenat Diagn. 2018 Jan;38(2):117-122. PMID: 29240237; Mariani et al., Case Reports J Pediatr Endocrinol Metab. 2003 Feb;16(2):225-32. PMID: 12713262). Carrier females, if affected, generally have very subtle features of this disorder.

GRCh37/hg19 Xq26.2(chrX:132879202-132956033)x0

Gene: GPC3 (glypican 3; minus strand). Cytogenetic location: Xq26.2.
Variant type: copy number loss.
Change: copy number 0 of chrX:132,879,202-132,956,033 (76.8 kb, GRCh37 coordinates, 1-based), cytogenetic band Xq26.2.
Identifiers: ClinVar variation 1808618 (VCV001808618.1).